The following is an entry in ClinVar:

NM_001171.6(ABCC6):c.3381G>A (p.Met1127Ile)

Gene: ABCC6 (ATP binding cassette subfamily C member 6; minus strand). Cytogenetic location: 16p13.11.
Variant type: single nucleotide variant.
Coding change: c.3381G>A on transcript NM_001171.6 (MANE Select); coding-DNA position 3381, G replaced by A.
Protein change: p.Met1127Ile; replaces methionine 1127 with isoleucine.
Molecular consequence: missense variant.
Genome position (GRCh38, 1-based): chr16:16,163,118, C>T on the plus strand (G>A on the coding strand, the complement: ABCC6 is on the minus strand). VCF-style: chr16-16163118-C-T. GRCh37 (hg19) VCF-style: chr16-16256975-C-T.
Other names: c.3039G>A, p.Met1013Ile (NM_001351800.1); short protein forms M1127I, M1013I.
Identifiers: ClinVar variation 433314 (VCV000433314.9), dbSNP rs63750758, ClinGen allele CA7925593.

ClinVar aggregate classification (germline): Conflicting classifications of pathogenicity. Review status: criteria provided, conflicting classifications (1 of 4 stars). 3 submissions from 3 submitters: Pathogenic (1); Uncertain significance (1). 1 of the submissions does not count toward it. Last evaluated 2025-06-20.

Conditions:
Arterial calcification, generalized, of infancy, 2. Identifiers: Orphanet 51608, MedGen C3276161, MONDO:0013768, OMIM 614473.
Autosomal recessive inherited pseudoxanthoma elasticum (PXE). Identifiers: Orphanet 758, MedGen CN032334, MONDO:0009925, OMIM 264800.
Pseudoxanthoma elasticum, forme fruste. Also called: Pseudoxanthoma Elasticum, Incomplete; PSEUDOXANTHOMA ELASTICUM, HETEROZYGOUS. Identifiers: Orphanet 758, MedGen C1867450, MONDO:0008333, OMIM 177850.

Allele frequency attached by ClinVar (database versions not stated): ExAC 0.00001; gnomAD 0.00001; gnomAD exomes 0.00001 and 0.00003; TOPMed 0.00001.

Submissions (3):

Labcorp Genetics (formerly Invitae), Labcorp
Classification: Pathogenic. Last evaluated: 2025-06-20. Review status: criteria provided, single submitter. Criteria: Invitae Variant Classification Sherloc (09022015). Collection method: clinical testing. Allele origin: germline.
Comment: This sequence change replaces methionine, which is neutral and non-polar, with isoleucine, which is neutral and non-polar, at codon 1127 of the ABCC6 protein (p.Met1127Ile). This variant is present in population databases (rs63750758, gnomAD 0.002%). This missense change has been observed in individual(s) with clinical features of pseudoxanthoma elasticum (PMID: 34906475; internal data). In at least one individual the data is consistent with being in trans (on the opposite chromosome) from a pathogenic variant. ClinVar contains an entry for this variant (Variation ID: 433314). Invitae Evidence Modeling of protein sequence and biophysical properties (such as structural, functional, and spatial information, amino acid conservation, physicochemical variation, residue mobility, and thermodynamic stability) indicates that this missense variant is not expected to disrupt ABCC6 protein function with a negative predictive value of 95%. This variant disrupts the p.Met1127 amino acid residue in ABCC6. Other variant(s) that disrupt this residue have been observed in individuals with ABCC6-related conditions (PMID: 15459974), which suggests that this may be a clinically significant amino acid residue. For these reasons, this variant has been classified as Pathogenic.

Fulgent Genetics
Classification: Uncertain significance for Pseudoxanthoma elasticum, forme fruste; Autosomal recessive inherited pseudoxanthoma elasticum; Arterial calcification, generalized, of infancy, 2. Last evaluated: 2021-11-08. Review status: criteria provided, single submitter. Criteria: ACMG Guidelines, 2015. Collection method: clinical testing. Allele origin: unknown.

PXE International
Classification: Uncertain significance for Autosomal recessive inherited pseudoxanthoma elasticum. Last evaluated: 2021-02-16. Review status: no assertion criteria provided. Collection method: research. Allele origin: germline. Inheritance: Autosomal recessive inheritance. Affected: yes. Not counted in ClinVar's aggregate classification.

Literature cited by the submitters: PubMed 34906475 (cited by Labcorp Genetics (formerly Invitae), Labcorp); PubMed 15459974 (cited by Labcorp Genetics (formerly Invitae), Labcorp); PubMed 32873932 (cited by PXE International).